The following is an entry in ClinVar:

ClinVar aggregate classification (germline): Uncertain significance (1 of 4 stars; one submission).

Allele frequency attached by ClinVar (database versions not stated): ExAC 0.00002.

Submission:

GeneDx
Classification: Uncertain significance. Last evaluated: 2024-04-10. Review status: criteria provided, single submitter. Criteria: GeneDx Variant Classification Process June 2021. Collection method: clinical testing. Allele origin: germline. Affected: yes.
Comment: Not observed at significant frequency in large population cohorts (gnomAD); Nonsense variant predicted to result in protein truncation as the last 14 amino acids are lost, although loss-of-function variants have not been reported downstream of this position in the protein; Has not been previously published as pathogenic or benign to our knowledge

NM_001379210.1(SLC25A26):c.781C>T (p.Arg261Ter)

Gene: SLC25A26 (solute carrier family 25 member 26; plus strand). Cytogenetic location: 3p14.1.
Variant type: single nucleotide variant.
Coding change: c.781C>T on transcript NM_001379210.1 (MANE Select); coding-DNA position 781, C replaced by T.
Protein change: p.Arg261Ter; replaces arginine 261 with a stop codon.
Molecular consequence: nonsense. On other transcripts: 3 prime UTR variant (2), non-coding transcript variant (15).
Genome position (GRCh38, 1-based): chr3:66,377,763, C>T. VCF-style: chr3-66377763-C-T. GRCh37 (hg19) VCF-style: chr3-66428187-C-T.
Other names: c.517C>T, p.Arg173Ter (NM_001164796.1, NM_001350993.1, NM_001400711.1); c.*96C>T (NM_001400705.1, NM_001400709.1); c.736C>T, p.Arg246Ter (NM_001400707.1); c.472C>T, p.Arg158Ter (NM_001400714.1); c.781C>T, p.Arg261Ter (NM_173471.4); short protein forms R158*, R173*, R246*, R261*.
Identifiers: ClinVar variation 3252887 (VCV003252887.1), dbSNP rs368045591.
Genomic context (GRCh38, chr3:66,377,763, plus strand): 5'-GTCTTCCCTCGAATGGCAGCCATCAGTCTGGGAGGTTTCATCTTTCTGGGGGCTTATGAC[C>T]GAACGCACAGCTTGCTGTTGGAAGTTGGCAGAAAGAGTCCTTGAAGCAGAGACAAGCCTC-3'